The following is an entry in ClinVar:

ClinVar aggregate classification (germline): Conflicting classifications of pathogenicity. Review status: criteria provided, conflicting classifications (1 of 4 stars). 4 submissions from 4 submitters: Pathogenic (3); Uncertain significance (1). Last evaluated 2022-07-06.

Conditions:
Intellectual disability-epilepsy-extrapyramidal syndrome (NEDHELS). Also called: Dyskinesia, seizures, and intellectual developmental disorder. Identifiers: Orphanet 468620, MedGen C4310683, MONDO:0014952, OMIM 617171.

Submissions (4):

Labcorp Genetics (formerly Invitae), Labcorp
Classification: Pathogenic. Last evaluated: 2022-07-06. Review status: criteria provided, single submitter. Criteria: Invitae Variant Classification Sherloc (09022015). Collection method: clinical testing. Allele origin: germline.
Comment: For these reasons, this variant has been classified as Pathogenic. This sequence change creates a premature translational stop signal (p.Pro365Glyfs*26) in the DEAF1 gene. It is expected to result in an absent or disrupted protein product. Loss-of-function variants in DEAF1 are known to be pathogenic (PMID: 30923367). This variant is present in population databases (rs756419434, gnomAD 0.002%). This variant has not been reported in the literature in individuals affected with DEAF1-related conditions.

Victorian Clinical Genetics Services, Murdoch Childrens Research Institute
Classification: Pathogenic for Intellectual disability-epilepsy-extrapyramidal syndrome. Last evaluated: 2020-10-19. Review status: criteria provided, single submitter. Criteria: ACMG Guidelines, 2015. Collection method: clinical testing. Allele origin: germline.
Comment: Based on the classification scheme VCGS_Germline_v1.3.3, this variant is classified as pathogenic. Following criteria are met: 0103 - Dominant negative and loss of function are known mechanisms of disease in this gene and are associated with Vulto-van Silfout-de Vries syndrome (MIM#615828), and neurodevelopmental disorder with hypotonia, impaired expressive language, and with or without seizures (MIM#617171), respectively (OMIM, PMID 30923367). (I) 0108 - This gene is associated with both recessive and dominant disease. Missense variants have been reported to cause both recessive and dominant conditions, while loss of function variants predicted to undergo nonsense-mediated decay or protein truncation have only been reported for recessive disease (OMIM, PMID 30923367). (I) 0201 - Variant is predicted to cause nonsense-mediated decay (NMD) and loss of protein (premature termination codon is located at least 54 nucleotides upstream of the final exon-exon junction). (SP) 0251 - This variant is heterozygous. (I) 0304 - Variant is present in gnomAD v2 <0.01 for a recessive condition (2 heterozygotes, 0 homozygotes). (SP) 0702 - Other NMD-predicted variants comparable to the one identified in this case have strong previous evidence for pathogenicity. Multiple patients have been reported with biallelic variants and neurodevelopmental delays (Decipher, ClinVar, PMID: 3092336, PMID: 31688097, PMID: 31929336). (SP) 0807 - This variant has no previous evidence of pathogenicity. (I) 0905 - No published segregation evidence has been identified for this variant. (I) 1007 - No published functional evidence has been identified for this variant. (I) Legend: (SP) - Supporting pathogenic, (I) - Information, (SB) - Supporting benign

GeneDx
Classification: Uncertain significance. Last evaluated: 2019-05-08. Review status: criteria provided, single submitter. Criteria: GeneDx Variant Classification Process June 2021. Collection method: clinical testing. Allele origin: germline. Affected: yes.
Comment: Frameshift variant predicted to result in protein truncation or nonsense mediated decay in a gene for which loss-of-function is not a known mechanism of disease; Not observed at a significant frequency in large population cohorts (Lek et al., 2016); Has not been previously published as pathogenic or benign to our knowledge

Kasturba Medical College, Manipal, Kasturba Medical College, Manipal, Manipal Academy of Higher Education, Manipal, India
Classification: Pathogenic for Intellectual disability-epilepsy-extrapyramidal syndrome. Review status: criteria provided, single submitter. Criteria: ACMG Guidelines, 2015. Collection method: research. Allele origin: biparental. Inheritance: Autosomal recessive inheritance. Affected: yes. Observed: 1 homozygote.
Comment: This variant is absent in homozygous state in the gnomAD (v4.1.0) population database and in our in-house data of 3550 exomes. This variant is present in heterozygous state in 29 individuals in gnomAD (v4.1.0) and absent in our in-house database. This deletion is likely to cause shift in the reading frame of the transcript which likely introduces a premature termination codon which may either result in the formation of a truncated protein or the transcript to undergo nonsense-mediated mRNA decay. This variant has been reported in ClinVar by three submitters as pathogenic/variant of uncertain significance (VCV001305737.6).

Literature cited by the submitters: PubMed 30923367 (cited by Labcorp Genetics (formerly Invitae), Labcorp and Victorian Clinical Genetics Services, Murdoch Childrens Research Institute); PubMed 31688097 (cited by Victorian Clinical Genetics Services, Murdoch Childrens Research Institute); PubMed 31929336 (cited by Victorian Clinical Genetics Services, Murdoch Childrens Research Institute); PubMed 3092336 (cited by Victorian Clinical Genetics Services, Murdoch Childrens Research Institute).

NM_021008.4(DEAF1):c.1090_1091del (p.Pro365fs)

Gene: DEAF1 (DEAF1 transcription factor; minus strand). Cytogenetic location: 11p15.5.
Variant type: Microsatellite.
Coding change: c.1090_1091del on transcript NM_021008.4 (MANE Select); coding-DNA positions 1090 to 1091, 2 bases deleted (AG; older notation c.1090_1091delAG).
Protein change: p.Pro365fs; shifts the reading frame from proline 365.
Molecular consequence: frameshift variant.
Genome position (GRCh38, 1-based): chr11:679,723-679,724, CT deleted on the plus strand (AG on the coding strand, the reverse complement: DEAF1 is on the minus strand); deleting any 2 consecutive bases within chr11:679,723-679,728 gives the same sequence; the c. name uses the placement nearest the transcript's 3' end. VCF-style (leftmost placement, unchanged base first): chr11-679722-ACT-A. GRCh37 (hg19) VCF-style: chr11-679722-ACT-A.
Other names: c.819_820AG[2], p.Pro276Glyfs (NM_001293634.2); c.364_365del, p.Pro123fs (NM_001367390.1); short protein forms P123fs, P276fs, P365fs.
Identifiers: ClinVar variation 1305737 (VCV001305737.8), dbSNP rs756419434, ClinGen allele CA5786331.